The following is an entry in ClinVar:

ClinVar aggregate classification (germline): Likely benign (1 of 4 stars; one submission).

Conditions:
TULP3-related condition.

gnomAD v4.1: 225 of 1,614,242 alleles (0.014%); highest among the groups gnomAD compares: African/African-American, 0.28%; 1 homozygote.

Submission:

PreventionGenetics, part of Exact Sciences
Classification: Likely benign for TULP3-related condition. Last evaluated: 2026-07-28. Review status: criteria provided, single submitter. Criteria: ACMG Guidelines, 2015. Collection method: clinical testing. Allele origin: germline.
Comment: This variant is classified as likely benign based on ACMG/AMP sequence variant interpretation guidelines (Richards et al. 2015 PMID: 25741868, with internal and published modifications).

NM_003324.5(TULP3):c.631A>G (p.Arg211Gly)

Gene: TULP3 (TUB like protein 3; plus strand). Cytogenetic location: 12p13.33.
Variant type: single nucleotide variant.
Coding change: c.631A>G on transcript NM_003324.5 (MANE Select); coding-DNA position 631, A replaced by G.
Protein change: p.Arg211Gly; replaces arginine 211 with glycine.
Molecular consequence: missense variant.
Genome position (GRCh38, 1-based): chr12:2,931,175, A>G. VCF-style: chr12-2931175-A-G. GRCh37 (hg19) VCF-style: chr12-3040341-A-G.
Other names: c.631A>G, p.Arg211Gly (NM_001160408.2); short protein forms R211G.
Identifiers: ClinVar variation 4977450 (VCV004977450.1).